The following is an entry in ClinVar:

NM_006922.4(SCN3A):c.2863G>A (p.Ala955Thr)

Gene: SCN3A (sodium voltage-gated channel alpha subunit 3; minus strand). Cytogenetic location: 2q24.3.
Variant type: single nucleotide variant.
Coding change: c.2863G>A on transcript NM_006922.4 (MANE Select); coding-DNA position 2863, G replaced by A.
Protein change: p.Ala955Thr; replaces alanine 955 with threonine.
Molecular consequence: missense variant.
Genome position (GRCh38, 1-based): chr2:165,129,999, C>T on the plus strand (G>A on the coding strand, the complement: SCN3A is on the minus strand). VCF-style: chr2-165129999-C-T. GRCh37 (hg19) VCF-style: chr2-165986509-C-T.
Other names: c.2716G>A, p.Ala906Thr (NM_001081676.2, NM_001081677.2); short protein forms A906T, A955T.
Identifiers: ClinVar variation 863443 (VCV000863443.8), dbSNP rs772467017, ClinGen allele CA1938896.

ClinVar aggregate classification (germline): Uncertain significance (1 of 4 stars; one submission).

Allele frequency attached by ClinVar (database versions not stated): ExAC 0.00001; gnomAD exomes 0.00001 and 0.00002; TOPMed 0.00002; gnomAD 0.00003.
gnomAD v4.1: 30 of 1,614,012 alleles (0.0019%); highest among the groups gnomAD compares: Non-Finnish European, 0.0024%; no homozygotes.

Submission:

Labcorp Genetics (formerly Invitae), Labcorp
Classification: Uncertain significance. Last evaluated: 2025-05-26. Review status: criteria provided, single submitter. Criteria: Invitae Variant Classification Sherloc (09022015). Collection method: clinical testing. Allele origin: germline.
Comment: This sequence change replaces alanine, which is neutral and non-polar, with threonine, which is neutral and polar, at codon 955 of the SCN3A protein (p.Ala955Thr). This variant is present in population databases (rs772467017, gnomAD 0.003%). This variant has not been reported in the literature in individuals affected with SCN3A-related conditions. ClinVar contains an entry for this variant (Variation ID: 863443). Invitae Evidence Modeling of protein sequence and biophysical properties (such as structural, functional, and spatial information, amino acid conservation, physicochemical variation, residue mobility, and thermodynamic stability) indicates that this missense variant is not expected to disrupt SCN3A protein function with a negative predictive value of 95%. In summary, the available evidence is currently insufficient to determine the role of this variant in disease. Therefore, it has been classified as a Variant of Uncertain Significance.